The following is an entry in ClinVar:

NM_001009944.3(PKD1):c.9409C>T (p.His3137Tyr)

Gene: PKD1 (polycystin 1, transient receptor potential channel interacting; minus strand). Cytogenetic location: 16p13.3.
Variant type: single nucleotide variant.
Coding change: c.9409C>T on transcript NM_001009944.3 (MANE Select); coding-DNA position 9409, C replaced by T.
Protein change: p.His3137Tyr; replaces histidine 3137 with tyrosine.
Molecular consequence: missense variant.
Genome position (GRCh38, 1-based): chr16:2,100,555, G>A on the plus strand (C>T on the coding strand, the complement: PKD1 is on the minus strand). VCF-style: chr16-2100555-G-A. GRCh37 (hg19) VCF-style: chr16-2150556-G-A.
Other names: c.9409C>T, p.His3137Tyr (NM_000296.4); short protein forms H3137Y.
Identifiers: ClinVar variation 2663511 (VCV002663511.1), dbSNP rs2544718785, ClinGen allele CA394356665.

ClinVar aggregate classification (germline): Uncertain significance (1 of 4 stars; one submission).

Submission:

GeneDx
Classification: Uncertain significance. Last evaluated: 2023-04-25. Review status: criteria provided, single submitter. Criteria: GeneDx Variant Classification Process June 2021. Collection method: clinical testing. Allele origin: germline. Affected: yes.
Comment: Not observed at significant frequency in large population cohorts (gnomAD); In silico analysis supports that this missense variant has a deleterious effect on protein structure/function; This variant is associated with the following publications: (PMID: 29529603)